The following is an entry in ClinVar:

NM_001134407.3(GRIN2A):c.2995_2996insAGGTGT (p.Ala999delinsGluValSer)

Gene: GRIN2A (glutamate ionotropic receptor NMDA type subunit 2A; minus strand). Cytogenetic location: 16p13.2.
Variant type: Insertion.
Coding change: c.2995_2996insAGGTGT on transcript NM_001134407.3 (MANE Select); coding-DNA positions 2995 to 2996, AGGTGT inserted.
Protein change: p.Ala999delinsGluValSer.
Molecular consequence: inframe indel.
Genome position: GRCh38 VCF-style: chr16-9764548-G-GACACCT. GRCh37 (hg19) VCF-style: chr16-9858405-G-GACACCT.
Other names: c.2995_2996insAGGTGT, p.Ala999delinsGluValSer (NM_000833.5, NM_001134408.2).
Identifiers: ClinVar variation 2117566 (VCV002117566.4), dbSNP rs2505969798, ClinGen allele CA2580092140.

ClinVar aggregate classification (germline): Uncertain significance (1 of 4 stars; one submission).

Conditions:
Landau-Kleffner syndrome (FESD). Also called: EPILEPSY, FOCAL, WITH SPEECH DISORDER AND WITH OR WITHOUT MENTAL RETARDATION; APHASIA, ACQUIRED, WITH EPILEPSY. Identifiers: Orphanet 1945, Orphanet 725, Orphanet 98818, MedGen C0282512, MONDO:0009509, OMIM 245570.

Submission:

Labcorp Genetics (formerly Invitae), Labcorp
Classification: Uncertain significance for Landau-Kleffner syndrome. Last evaluated: 2022-03-26. Review status: criteria provided, single submitter. Criteria: Invitae Variant Classification Sherloc (09022015). Collection method: clinical testing. Allele origin: germline.
Comment: In summary, the available evidence is currently insufficient to determine the role of this variant in disease. Therefore, it has been classified as a Variant of Uncertain Significance. Experimental studies and prediction algorithms are not available or were not evaluated, and the functional significance of this variant is currently unknown. This variant has not been reported in the literature in individuals affected with GRIN2A-related conditions. This variant is not present in population databases (gnomAD no frequency). This variant, c.2995_2996insAGGTGT, is a complex sequence change that results in the deletion of 1 and insertion of 3 amino acid(s) in the GRIN2A protein (p.Ala999delinsGluValSer).